The following is an entry in ClinVar:

ClinVar aggregate classification (germline): Likely pathogenic (1 of 4 stars; one submission).

Conditions:
Familial cancer of breast. Also called: BREAST CANCER, FAMILIAL; Hereditary breast cancer; hereditary breast carcinoma. Identifiers: Orphanet 227535, MedGen C0346153, MONDO:0016419, OMIM 114480. Disease mechanism: loss of function.

Submission:

Human Genetics Bochum, Ruhr University Bochum
Classification: Likely pathogenic for Familial cancer of breast. Last evaluated: 2026-06-12. Review status: criteria provided, single submitter. Criteria: ACMG Guidelines, 2015. Collection method: clinical testing. Allele origin: germline. Affected: yes.
Comment: ACMG criteria used to clasify this variant: PVS1, PM2_SUP

NM_000051.4(ATM):c.8584_8584+5del

Genes: ATM (ATM serine/threonine kinase; plus strand), C11orf65 (chromosome 11 open reading frame 65; minus strand). Cytogenetic location: 11q22.3.
Variant type: Deletion.
Coding change: c.8584_8584+5del on transcript NM_000051.4 (MANE Select); coding-DNA position 8584 through 5 bases into the intron after coding-DNA position 8584, 6 bases deleted (GGTAAT; older notation c.8584_8584+5delGGTAAT).
Molecular consequence: splice donor variant. On other transcripts: intron variant (2).
Genome position (GRCh38, 1-based): chr11:108,345,908-108,345,913, GGTAAT deleted; deleting any 6 consecutive bases within chr11:108,345,907-108,345,913 gives the same sequence; the c. name uses the placement nearest the transcript's 3' end. VCF-style (leftmost placement, unchanged base first): chr11-108345906-TTGGTAA-T. GRCh37 (hg19) VCF-style: chr11-108216633-TTGGTAA-T.
Other names: c.8584_8584+5del (NM_001351834.2); c.641-36841_641-36836del (NM_001330368.2); c.695-10620_695-10615del (NM_001351110.2).
Identifiers: ClinVar variation 4876757 (VCV004876757.1).